The following is an entry in ClinVar:

NM_000458.4(HNF1B):c.703C>A (p.Arg235=)

Genes: HNF1B (HNF1 homeobox B; minus strand), LOC126862549 (BRD4-independent group 4 enhancer GRCh37_chr17:36093401-36094600; plus strand). Cytogenetic location: 17q12.
Variant type: single nucleotide variant.
Coding change: c.703C>A on transcript NM_000458.4 (MANE Select); coding-DNA position 703, C replaced by A.
Protein change: p.Arg235=; no amino-acid change (arginine 235 retained).
Molecular consequence: synonymous variant.
Genome position (GRCh38, 1-based): chr17:37,733,663, G>T on the plus strand (C>A on the coding strand, the complement: HNF1B is on the minus strand). VCF-style: chr17-37733663-G-T. GRCh37 (hg19) VCF-style: chr17-36093656-G-T.
Other names: c.625C>A, p.Arg209= (NM_001165923.4, NM_001304286.2); c.703C>A, p.Arg235= (NM_001411100.1).
Identifiers: ClinVar variation 1801844 (VCV001801844.3), dbSNP rs193922491, ClinGen allele CA499602785.

ClinVar aggregate classification (germline): Likely benign. Review status: criteria provided, multiple submitters, no conflicts (2 of 4 stars). 2 submissions from 2 submitters: Likely benign (2). Last evaluated 2025-06-17.

Conditions:
Maturity-onset diabetes of the young (MODY). Also called: Maturity onset diabetes mellitus in young. Identifiers: Orphanet 552, MedGen C0342276, MONDO:0018911, HP:0004904.

Allele frequency attached by ClinVar (database versions not stated): gnomAD 0.00002; TOPMed 0.00002.
gnomAD v4.1: 38 of 1,614,026 alleles (0.0024%); highest among the groups gnomAD compares: Non-Finnish European, 0.0031%; no homozygotes.

Submissions (2):

Labcorp Genetics (formerly Invitae), Labcorp
Classification: Likely benign. Last evaluated: 2025-06-17. Review status: criteria provided, single submitter. Criteria: Invitae Variant Classification Sherloc (09022015). Collection method: clinical testing. Allele origin: germline.

Clinical Genomics, Uppaluri K&H Personalized Medicine Clinic
Classification: Likely benign for Maturity-onset diabetes of the young. Review status: criteria provided, single submitter. Criteria: K & H Uppaluri Personalized Medicine Clinic Variant Classification & Assertion Criteria_Updated V.1. Collection method: research. Allele origin: unknown. Inheritance: Autosomal dominant inheritance.
Comment: HNF1B gene mutations are associated with early onset diabetes and pancreatic atrophy. It is also associated with multiple renal manifestations including renal cysts, Tubulointerstitial disease, glomerulocystic disease, renal hypoplasia, hypomagnesemia.However no sufficient evidence is found to ascertain the role of this particular variant rs193922491, yet.

Literature cited by the submitters: PubMed 24897035 (cited by Clinical Genomics, Uppaluri K&H Personalized Medicine Clinic); PubMed 25536396 (cited by Clinical Genomics, Uppaluri K&H Personalized Medicine Clinic); PubMed 27615128 (cited by Clinical Genomics, Uppaluri K&H Personalized Medicine Clinic); PubMed 28215227 (cited by Clinical Genomics, Uppaluri K&H Personalized Medicine Clinic); PubMed 33434175 (cited by Clinical Genomics, Uppaluri K&H Personalized Medicine Clinic); PubMed 25741167 (cited by Clinical Genomics, Uppaluri K&H Personalized Medicine Clinic); PubMed 26340261 (cited by Clinical Genomics, Uppaluri K&H Personalized Medicine Clinic); PubMed 19639018 (cited by Clinical Genomics, Uppaluri K&H Personalized Medicine Clinic).